The following is an entry in ClinVar:

NM_212482.4(FN1):c.371C>A (p.Thr124Asn)

Gene: FN1 (fibronectin 1; minus strand). Cytogenetic location: 2q35.
Variant type: single nucleotide variant.
Coding change: c.371C>A on transcript NM_212482.4 (MANE Select); coding-DNA position 371, C replaced by A.
Protein change: p.Thr124Asn; replaces threonine 124 with asparagine.
Molecular consequence: missense variant.
Genome position (GRCh38, 1-based): chr2:215,433,368, G>T on the plus strand (C>A on the coding strand, the complement: FN1 is on the minus strand). VCF-style: chr2-215433368-G-T. GRCh37 (hg19) VCF-style: chr2-216298091-G-T.
Other names: c.371C>A, p.Thr124Asn (NM_001306129.2, NM_001306130.2, NM_001306131.2 and 14 more transcripts); short protein forms T124N.
Identifiers: ClinVar variation 2059712 (VCV002059712.5), dbSNP rs369076813, ClinGen allele CA2095595.
Genomic context (GRCh38, chr2:215,433,368, plus strand): 5'-ACAATCTCTTCCTTACTTGCGATGGTACAGCTTATTCTCCCTCGCCCAGCCCCGATGCAG[G>T]TACAGTCCCAGATCATGGAGTCTTTAGGACGCTCATAAGTGTCACCCACTCGGTAAGTGT-3'
Protein context (NP_997647.2, residues 114-134): RPKDSMIWDC[Thr124Asn]CIGAGRGRIS

ClinVar aggregate classification (germline): Uncertain significance. Review status: criteria provided, multiple submitters, no conflicts (2 of 4 stars). 2 submissions from 2 submitters: Uncertain significance (2). Last evaluated 2025-06-16.

Conditions:
Spondylometaphyseal dysplasia - Sutcliffe type. Also called: Sutcliffe type of spondylometaphyseal dysplasia; Sutcliffe SMD; Spondylometaphyseal dysplasia, 'corner fracture' type; Spondylometaphyseal Dysplasia, Corner Fracture Type. Identifiers: Orphanet 93315, MedGen C0432221, MONDO:0008479, OMIM 184255.
Glomerulopathy with fibronectin deposits 2 (GFND2). Identifiers: Orphanet 84090, MedGen C1866075, MONDO:0011165, OMIM 601894.

Allele frequency attached by ClinVar (database versions not stated): gnomAD 0.00005; TOPMed 0.00006; ExAC 0.00007; gnomAD exomes 0.00012; ESP Exome Variant Server 0.00015.
gnomAD v4.1: 173 of 1,614,006 alleles (0.011%); highest among the groups gnomAD compares: Non-Finnish European, 0.014%; no homozygotes.

Submissions (2):

Labcorp Genetics (formerly Invitae), Labcorp
Classification: Uncertain significance. Last evaluated: 2025-06-16. Review status: criteria provided, single submitter. Criteria: Invitae Variant Classification Sherloc (09022015). Collection method: clinical testing. Allele origin: germline.
Comment: This sequence change replaces threonine, which is neutral and polar, with asparagine, which is neutral and polar, at codon 124 of the FN1 protein (p.Thr124Asn). This variant is present in population databases (rs369076813, gnomAD 0.009%). This variant has not been reported in the literature in individuals affected with FN1-related conditions. ClinVar contains an entry for this variant (Variation ID: 2059712). An algorithm developed to predict the effect of missense changes on protein structure and function (PolyPhen-2) suggests that this variant is likely to be disruptive. In summary, the available evidence is currently insufficient to determine the role of this variant in disease. Therefore, it has been classified as a Variant of Uncertain Significance.

Fulgent Genetics
Classification: Uncertain significance for Spondylometaphyseal dysplasia - Sutcliffe type; Glomerulopathy with fibronectin deposits 2. Last evaluated: 2024-05-29. Review status: criteria provided, single submitter. Criteria: ACMG Guidelines, 2015. Collection method: clinical testing. Allele origin: germline.